The following is an entry in ClinVar:

ClinVar aggregate classification (germline): Benign/Likely benign. Review status: criteria provided, multiple submitters, no conflicts (2 of 4 stars). 17 submissions from 14 submitters: Benign (6); Likely benign (10). 1 of the submissions does not count toward it. Last evaluated 2026-09-01.

Conditions:
Congenital myopathy 18. Also called: Myopathy, congenital, due to dihydropyridine receptor defect; DIHYDROPYRIDINE RECEPTOR CONGENITAL MYOPATHY; DHPR CONGENITAL MYOPATHY. Identifiers: MedGen C5830283, MONDO:0859514, OMIM 620246.
Malignant hyperthermia, susceptibility to, 5 (MHS5). Also called: CACNA1S-Related Malignant Hyperthermia Susceptibility. Identifiers: Orphanet 423, MedGen C1866077, MONDO:0011163, OMIM 601887.
Hypokalemic periodic paralysis, type 1. Also called: Hypokalemic Periodic Paralysis Type 1 (AD); HypoPP. Identifiers: Orphanet 681, MedGen C3714580, MONDO:0042979, OMIM 170400.
Hypokalemic periodic paralysis (HOKPP). Identifiers: Orphanet 681, MedGen C0238358, MONDO:0008223.
Thyrotoxic periodic paralysis, susceptibility to, 1 (TTPP1). Identifiers: Orphanet 79102, MedGen C2749982, MONDO:0008570, OMIM 188580.

Allele frequency attached by ClinVar (database versions not stated): ESP Exome Variant Server 0.00100; gnomAD 0.00113 and 0.00123; 1000 Genomes Project 0.00140; TOPMed 0.00141; 1000 Genomes Project 30x 0.00156; gnomAD exomes 0.00167 and 0.00198; ExAC 0.00195.
gnomAD v4.1: 2,689 of 1,614,124 alleles (0.17%); highest among the groups gnomAD compares: South Asian, 0.49%; 15 homozygotes.

Submissions (17):

CeGaT Center for Human Genetics Tuebingen
Classification: Likely benign. Last evaluated: 2026-09-01. Review status: criteria provided, single submitter. Criteria: CeGaT Center For Human Genetics Tuebingen Variant Classification Criteria Version 2. Collection method: clinical testing. Allele origin: germline. Affected: yes. Observed: 37 variant alleles.
Comment: CACNA1S: BP4, BS2

Labcorp Genetics (formerly Invitae), Labcorp
Classification: Benign for Hypokalemic periodic paralysis, type 1; Malignant hyperthermia, susceptibility to, 5. Last evaluated: 2026-02-03. Review status: criteria provided, single submitter. Criteria: Invitae Variant Classification Sherloc (09022015). Collection method: clinical testing. Allele origin: germline.

Mayo Clinic Laboratories, Mayo Clinic
Classification: Likely benign. Last evaluated: 2025-09-11. Review status: criteria provided, single submitter. Criteria: ACMG Guidelines, 2015. Collection method: clinical testing. Allele origin: germline. Observed: 1 variant allele.
Comment: BS1, BP4, BP7

Blueprint Genetics
Classification: Likely benign. Last evaluated: 2024-11-15. Review status: criteria provided, single submitter. Criteria: ACMG Guidelines, 2015. Collection method: clinical testing. Allele origin: germline.

Genome-Nilou Lab
Classification: Likely benign for Malignant hyperthermia, susceptibility to, 5. Last evaluated: 2023-04-11. Review status: criteria provided, single submitter. Criteria: ACMG Guidelines, 2015. Collection method: clinical testing. Allele origin: germline. Affected: no.

Genome-Nilou Lab
Classification: Likely benign for Thyrotoxic periodic paralysis, susceptibility to, 1. Last evaluated: 2023-04-11. Review status: criteria provided, single submitter. Criteria: ACMG Guidelines, 2015. Collection method: clinical testing. Allele origin: germline. Affected: no.

Genome-Nilou Lab
Classification: Likely benign for Congenital myopathy 18. Last evaluated: 2023-04-11. Review status: criteria provided, single submitter. Criteria: ACMG Guidelines, 2015. Collection method: clinical testing. Allele origin: germline. Affected: no.

Genome-Nilou Lab
Classification: Likely benign for Hypokalemic periodic paralysis, type 1. Last evaluated: 2023-04-11. Review status: criteria provided, single submitter. Criteria: ACMG Guidelines, 2015. Collection method: clinical testing. Allele origin: germline. Affected: no.

Color Diagnostics, LLC DBA Color Health
Classification: Benign for Malignant hyperthermia, susceptibility to, 5. Last evaluated: 2022-09-20. Review status: criteria provided, single submitter. Criteria: ACMG Guidelines, 2015. Collection method: clinical testing. Allele origin: germline.

Dubai Health Genomic Medicine Center, Dubai Health
Classification: Benign. Last evaluated: 2020-09-07. Review status: criteria provided, single submitter. Criteria: ACMG Guidelines, 2015. Collection method: clinical testing. Allele origin: germline. Affected: yes.

Athena Diagnostics
Classification: Benign. Last evaluated: 2019-12-02. Review status: criteria provided, single submitter. Criteria: Athena Diagnostics Criteria. Collection method: clinical testing. Allele origin: unknown.

Illumina Laboratory Services, Illumina
Classification: Benign for Hypokalemic periodic paralysis, type 1. Last evaluated: 2018-01-12. Review status: criteria provided, single submitter. Criteria: ICSL Variant Classification Criteria 13 December 2019. Collection method: clinical testing. Allele origin: germline.
Comment: This variant was observed in the ICSL laboratory as part of a predisposition screen in an ostensibly healthy population. It had not been previously curated by ICSL or reported in the Human Gene Mutation Database (HGMD: prior to June 1st, 2018), and was therefore a candidate for classification through an automated scoring system. Utilizing variant allele frequency, disease prevalence and penetrance estimates, and inheritance mode, an automated score was calculated to assess if this variant is too frequent to cause the disease. Based on the score and internal cut-off values, a variant classified as benign is not then subjected to further curation. The score for this variant resulted in a classification of benign for this disease.

Institute for Genomic Medicine (IGM) Clinical Laboratory, Nationwide Children's Hospital
Classification: Likely benign. Last evaluated: 2017-06-26. Review status: criteria provided, single submitter. Criteria: ACMG Guidelines, 2015. Collection method: clinical testing. Allele origin: germline.
Comment: BS1,BP6; This alteration has an allele frequency that is greater than expected for the associated disease, and was reported as a benign/likely benign alteration by a reputable source (ClinVar or other correspondence from a clinical testing laboratory).

GeneDx
Classification: Benign. Last evaluated: 2015-04-15. Review status: criteria provided, single submitter. Criteria: GeneDx Variant Classification (06012015). Collection method: clinical testing. Allele origin: germline. Affected: yes.
Comment: This variant is considered likely benign or benign based on one or more of the following criteria: it is a conservative change, it occurs at a poorly conserved position in the protein, it is predicted to be benign by multiple in silico algorithms, and/or has population frequency not consistent with disease.

Breakthrough Genomics
Classification: Likely benign. Review status: criteria provided, single submitter. Criteria: ACMG Guidelines, 2015. Collection method: not provided. Allele origin: germline. Inheritance: Autosomal dominant inheritance. Affected: yes.

PreventionGenetics, part of Exact Sciences
Classification: Likely benign. Review status: criteria provided, single submitter. Criteria: ACMG Guidelines, 2015. Collection method: clinical testing. Allele origin: germline.

Molecular Genetics Laboratory, BC Children's and BC Women's Hospitals
Classification: Likely benign for Hypokalemic periodic paralysis. Last evaluated: 2024-04-05. Review status: no assertion criteria provided. Criteria: ACMG Guidelines, 2015. Collection method: clinical testing. Allele origin: germline. Affected: yes. Not counted in ClinVar's aggregate classification.

NM_000069.3(CACNA1S):c.3795+3G>A

Gene: CACNA1S (calcium voltage-gated channel subunit alpha1 S; minus strand). Cytogenetic location: 1q32.1.
Variant type: single nucleotide variant.
Coding change: c.3795+3G>A on transcript NM_000069.3 (MANE Select); 3 bases into the intron after coding-DNA position 3795, G replaced by A.
Molecular consequence: intron variant.
Genome position (GRCh38, 1-based): chr1:201,053,456, C>T on the plus strand (G>A on the coding strand, the complement: CACNA1S is on the minus strand). VCF-style: chr1-201053456-C-T. GRCh37 (hg19) VCF-style: chr1-201022584-C-T.
Other names: p.?.
Identifiers: ClinVar variation 254827 (VCV000254827.69), dbSNP rs191758096, ClinGen allele CA082843.